The following is an entry in ClinVar:

ClinVar aggregate classification (germline): Likely benign. Review status: criteria provided, multiple submitters, no conflicts (2 of 4 stars). 2 submissions from 2 submitters: Likely benign (2). Last evaluated 2025-09-05.

Conditions:
DCTN1-related disorder. Also called: DCTN1-related condition.
Neuronopathy, distal hereditary motor, type 7B. Also called: HMN VIIB; LOWER MOTOR NEURON DISEASE, DYNACTIN TYPE; NEURONOPATHY, DISTAL HEREDITARY MOTOR, AUTOSOMAL DOMINANT 14; NEURONOPATHY, DISTAL HEREDITARY MOTOR, HARDING TYPE VIIB; NEUROPATHY, DISTAL HEREDITARY MOTOR, HARDING TYPE VIIB; NEUROPATHY, DISTAL HEREDITARY MOTOR, WITH VOCAL CORD PARALYSIS, HARDING TYPE VIIB. Identifiers: Orphanet 139589, MedGen C1843315, MONDO:0011879, OMIM 607641.
Perry syndrome. Also called: PARKINSONISM WITH ALVEOLAR HYPOVENTILATION AND MENTAL DEPRESSION. Identifiers: Orphanet 178509, MedGen C1868594, MONDO:0008201, OMIM 168605.
Amyotrophic lateral sclerosis type 1 (ALS1). Also called: AMYOTROPHIC LATERAL SCLEROSIS 1, FAMILIAL. Identifiers: Orphanet 803, MedGen C1862939, MONDO:0007103, OMIM 105400.

Allele frequency attached by ClinVar (database versions not stated): gnomAD 0.00001; gnomAD exomes 0.00001; TOPMed 0.00002.
gnomAD v4.1: 11 of 1,614,040 alleles (0.00068%); highest among the groups gnomAD compares: Non-Finnish European, 0.00085%; no homozygotes.

Submissions (2):

Labcorp Genetics (formerly Invitae), Labcorp
Classification: Likely benign for Amyotrophic lateral sclerosis type 1; Neuronopathy, distal hereditary motor, type 7B; Perry syndrome. Last evaluated: 2025-09-05. Review status: criteria provided, single submitter. Criteria: Invitae Variant Classification Sherloc (09022015). Collection method: clinical testing. Allele origin: germline.

PreventionGenetics, part of Exact Sciences
Classification: Likely benign for DCTN1-related condition. Last evaluated: 2025-04-18. Review status: criteria provided, single submitter. Criteria: ACMG Guidelines, 2015. Collection method: clinical testing. Allele origin: germline.
Comment: This variant is classified as likely benign based on ACMG/AMP sequence variant interpretation guidelines (Richards et al. 2015 PMID: 25741868, with internal and published modifications).

NM_004082.5(DCTN1):c.2254-10A>G

Gene: DCTN1 (dynactin subunit 1; minus strand). Cytogenetic location: 2p13.1.
Variant type: single nucleotide variant.
Coding change: c.2254-10A>G on transcript NM_004082.5 (MANE Select); 10 bases into the intron before coding-DNA position 2254, A replaced by G.
Molecular consequence: intron variant.
Genome position (GRCh38, 1-based): chr2:74,367,117, T>C on the plus strand (A>G on the coding strand, the complement: DCTN1 is on the minus strand). VCF-style: chr2-74367117-T-C. GRCh37 (hg19) VCF-style: chr2-74594244-T-C.
Other names: c.2143-10A>G (NM_001190836.2); c.2185-10A>G (NM_001378992.1); c.2203-10A>G (NM_001378991.1); c.2194-10A>G (NM_001135040.3); c.2233-10A>G (NM_001190837.2); c.1852-10A>G (NM_001135041.3, NM_023019.4).
Identifiers: ClinVar variation 468262 (VCV000468262.10), dbSNP rs954787850, ClinGen allele CA50475171.